The following is an entry in ClinVar:

ClinVar aggregate classification (germline): Uncertain significance (1 of 4 stars; one submission).

Submission:

GeneDx
Classification: Uncertain significance. Last evaluated: 2024-08-09. Review status: criteria provided, single submitter. Criteria: GeneDx Variant Classification Process June 2021. Collection method: clinical testing. Allele origin: germline. Affected: yes.
Comment: Not observed at significant frequency in large population cohorts (gnomAD); In silico analysis supports that this missense variant has a deleterious effect on protein structure/function; Has not been previously published as pathogenic or benign to our knowledge

NM_031885.5(BBS2):c.815G>C (p.Arg272Pro)

Gene: BBS2 (Bardet-Biedl syndrome 2; minus strand). Cytogenetic location: 16q13.
Variant type: single nucleotide variant.
Coding change: c.815G>C on transcript NM_031885.5 (MANE Select); coding-DNA position 815, G replaced by C.
Protein change: p.Arg272Pro; replaces arginine 272 with proline.
Molecular consequence: missense variant. On other transcripts: non-coding transcript variant (5).
Genome position (GRCh38, 1-based): chr16:56,502,798, C>G on the plus strand (G>C on the coding strand, the complement: BBS2 is on the minus strand). VCF-style: chr16-56502798-C-G. GRCh37 (hg19) VCF-style: chr16-56536710-C-G.
Other names: c.815G>C, p.Arg272Pro (NM_001377456.1); short protein forms R272P.
Identifiers: ClinVar variation 3602887 (VCV003602887.1).